The following is an entry in ClinVar:

NM_021100.5(NFS1):c.1221-19C>T

Gene: NFS1 (NFS1 cysteine desulfurase; minus strand). Cytogenetic location: 20q11.22.
Variant type: single nucleotide variant.
Coding change: c.1221-19C>T on transcript NM_021100.5 (MANE Select); 19 bases into the intron before coding-DNA position 1221, C replaced by T.
Molecular consequence: intron variant.
Genome position (GRCh38, 1-based): chr20:35,672,863, G>A on the plus strand (C>T on the coding strand, the complement: NFS1 is on the minus strand). VCF-style: chr20-35672863-G-A. GRCh37 (hg19) VCF-style: chr20-34260785-G-A.
Other names: c.1068-19C>T (NM_001198989.2).
Identifiers: ClinVar variation 510544 (VCV000510544.8), dbSNP rs373543430, ClinGen allele CA9837009.
Genomic context (GRCh38, chr20:35,672,863, plus strand): 5'-TAGTCCACTTCCTCCTCTGTAGTGAAGCGGCCAATTCCAAACCTGAAAAAAGGCACAGGA[G>A]AATGGCTCCCCATCAGAGCTCTGGCACTGGGATAAATTCATTCCGCAAATACTCACTAAG-3'

ClinVar aggregate classification (germline): Likely benign. Review status: criteria provided, multiple submitters, no conflicts (2 of 4 stars). 2 submissions from 2 submitters: Likely benign (2). Last evaluated 2023-11-27.

Allele frequency attached by ClinVar (database versions not stated): gnomAD exomes 0.00001; ExAC 0.00002; gnomAD 0.00002 and 0.00003; TOPMed 0.00002; ESP Exome Variant Server 0.00008.
gnomAD v4.1: 38 of 1,502,380 alleles (0.0025%); highest among the groups gnomAD compares: Non-Finnish European, 0.0016%; no homozygotes.

Submissions (2):

Labcorp Genetics (formerly Invitae), Labcorp
Classification: Likely benign. Last evaluated: 2023-11-27. Review status: criteria provided, single submitter. Criteria: Invitae Variant Classification Sherloc (09022015). Collection method: clinical testing. Allele origin: germline.

GeneDx
Classification: Likely benign. Last evaluated: 2017-07-18. Review status: criteria provided, single submitter. Criteria: GeneDx Variant Classification (06012015). Collection method: clinical testing. Allele origin: germline. Affected: yes.
Comment: This variant is considered likely benign or benign based on one or more of the following criteria: it is a conservative change, it occurs at a poorly conserved position in the protein, it is predicted to be benign by multiple in silico algorithms, and/or has population frequency not consistent with disease.